The following is an entry in ClinVar:

ClinVar aggregate classification (germline): Uncertain significance. Review status: criteria provided, multiple submitters, no conflicts (2 of 4 stars). 2 submissions from 2 submitters: Uncertain significance (2). Last evaluated 2024-01-29.

Allele frequency attached by ClinVar (database versions not stated): ExAC 0.00002; gnomAD exomes 0.00004 and 0.00005; TOPMed 0.00006.
gnomAD v4.1: 91 of 1,609,020 alleles (0.0057%); highest among the groups gnomAD compares: Middle Eastern, 0.066%; no homozygotes.

Submissions (2):

Blueprint Genetics
Classification: Uncertain significance. Last evaluated: 2024-01-29. Review status: criteria provided, single submitter. Criteria: ACMG Guidelines, 2015. Collection method: clinical testing. Allele origin: germline.

Labcorp Genetics (formerly Invitae), Labcorp
Classification: Uncertain significance. Last evaluated: 2023-11-27. Review status: criteria provided, single submitter. Criteria: Invitae Variant Classification Sherloc (09022015). Collection method: clinical testing. Allele origin: germline.
Comment: This sequence change replaces proline, which is neutral and non-polar, with leucine, which is neutral and non-polar, at codon 295 of the PCYT1A protein (p.Pro295Leu). This variant is present in population databases (rs774447329, gnomAD 0.005%). This variant has not been reported in the literature in individuals affected with PCYT1A-related conditions. ClinVar contains an entry for this variant (Variation ID: 1026995). Advanced modeling of protein sequence and biophysical properties (such as structural, functional, and spatial information, amino acid conservation, physicochemical variation, residue mobility, and thermodynamic stability) has been performed at Invitae for this missense variant, however the output from this modeling did not meet the statistical confidence thresholds required to predict the impact of this variant on PCYT1A protein function. In summary, the available evidence is currently insufficient to determine the role of this variant in disease. Therefore, it has been classified as a Variant of Uncertain Significance.

NM_001312673.2(PCYT1A):c.884C>T (p.Pro295Leu)

Gene: PCYT1A (phosphate cytidylyltransferase 1A, choline; minus strand). Cytogenetic location: 3q29.
Variant type: single nucleotide variant.
Coding change: c.884C>T on transcript NM_001312673.2 (MANE Select); coding-DNA position 884, C replaced by T.
Protein change: p.Pro295Leu; replaces proline 295 with leucine.
Molecular consequence: missense variant.
Genome position (GRCh38, 1-based): chr3:196,239,560, G>A on the plus strand (C>T on the coding strand, the complement: PCYT1A is on the minus strand). VCF-style: chr3-196239560-G-A. GRCh37 (hg19) VCF-style: chr3-195966431-G-A.
Other names: c.884C>T, p.Pro295Leu (NM_005017.4); short protein forms P295L.
Identifiers: ClinVar variation 1026995 (VCV001026995.5), dbSNP rs774447329, ClinGen allele CA2779415.
Genomic context (GRCh38, chr3:196,239,560, plus strand): 5'-TTCCACAACATGGAACTCCCTACATTGTCCAGTGGGAAAGAACATACCAGTGCTCCTTCC[G>A]GACCAAACATTTCCAGAAAACTTCCAATGAATTCTCGGGACTTCTCCTCCCACTTCTGAA-3'
Protein context (NP_001299602.1, residues 285-305): FIGSFLEMFG[Pro295Leu]EGALKHMLKE